The following is an entry in ClinVar:

NM_000414.4(HSD17B4):c.1767G>T (p.Lys589Asn)

Gene: HSD17B4 (hydroxysteroid 17-beta dehydrogenase 4; plus strand). Cytogenetic location: 5q23.1.
Variant type: single nucleotide variant.
Coding change: c.1767G>T on transcript NM_000414.4 (MANE Select); coding-DNA position 1767, G replaced by T.
Protein change: p.Lys589Asn; replaces lysine 589 with asparagine.
Molecular consequence: missense variant. On other transcripts: non-coding transcript variant (2).
Genome position (GRCh38, 1-based): chr5:119,527,219, G>T. VCF-style: chr5-119527219-G-T. GRCh37 (hg19) VCF-style: chr5-118862914-G-T.
Other names: c.1842G>T, p.Lys614Asn (NM_001199291.3); c.1713G>T, p.Lys571Asn (NM_001199292.2); c.1695G>T, p.Lys565Asn (NM_001292027.2, NM_001374498.1); c.1347G>T, p.Lys449Asn (NM_001292028.2); c.1758G>T, p.Lys586Asn (NM_001374497.1); c.1440G>T, p.Lys480Asn (NM_001374499.1); c.1326G>T, p.Lys442Asn (NM_001374500.1); c.1356G>T, p.Lys452Asn (NM_001374501.1, NM_001374502.1, NM_001374503.1); short protein forms K449N, K571N, K442N, K565N, K586N, K589N, K452N, K480N.
Identifiers: ClinVar variation 968171 (VCV000968171.21), dbSNP rs142527052, ClinGen allele CA3382379.

ClinVar aggregate classification (germline): Uncertain significance. Review status: criteria provided, multiple submitters, no conflicts (2 of 4 stars). 6 submissions from 6 submitters: Uncertain significance (6). Last evaluated 2026-10-07.

Conditions:
HSD17B4-related disorder. Also called: HSD17B4-related condition; HSD17B4-related disorders.
Bifunctional peroxisomal enzyme deficiency (DBIF). Also called: D-bifunctional protein deficiency; DBP DEFICIENCY; PBFE DEFICIENCY. Identifiers: Orphanet 300, MedGen C0342870, MONDO:0009855, OMIM 261515. Disease mechanism: loss of function.
Perrault syndrome. Also called: Gonadal dysgenesis with auditory dysfunction, autosomal recessive inheritance. Identifiers: Orphanet 2855, MedGen C0685838, MONDO:0017312.

Allele frequency attached by ClinVar (database versions not stated): ESP Exome Variant Server 0.00008; gnomAD exomes 0.00002 and 0.00001; ExAC 0.00003; gnomAD 0.00009; TOPMed 0.00026; 1000 Genomes Project 30x 0.00016; 1000 Genomes Project 0.00020.
gnomAD v4.1: 28 of 1,589,484 alleles (0.0018%); highest among the groups gnomAD compares: Admixed American, 0.042%; no homozygotes.

Submissions (7):

GeneDx
Classification: Uncertain significance. Last evaluated: 2026-10-07. Review status: criteria provided, single submitter. Criteria: GeneDx Variant Classification Process June 2021. Collection method: clinical testing. Allele origin: germline.
Comment: Not observed at significant frequency in large population cohorts (gnomAD); In silico analysis supports that this missense variant has a deleterious effect on protein structure/function; Has not been previously published as pathogenic or benign to our knowledge

PreventionGenetics, part of Exact Sciences
Classification: Uncertain significance for HSD17B4-related condition. Last evaluated: 2026-05-06. Review status: criteria provided, single submitter. Criteria: ACMG Guidelines, 2015. Collection method: clinical testing. Allele origin: germline.
Comment: The HSD17B4 c.1767G>T variant is predicted to result in the amino acid substitution p.Lys589Asn. This variant also occurs at the last nucleotide of the exon and is predicted to weaken the canonical splice donor site (SpliceAI, Jaganathan et al. 2019. PubMed ID: 30661751). However, the use of computer prediction programs is not equivalent to functional evidence. To our knowledge, this variant has not been reported in the literature. This variant is reported in 0.015% of alleles in individuals of Latino descent in gnomAD. At this time, the clinical significance of this variant is uncertain due to the absence of conclusive functional and genetic evidence.

Labcorp Genetics (formerly Invitae), Labcorp
Classification: Uncertain significance for Perrault syndrome; Bifunctional peroxisomal enzyme deficiency. Last evaluated: 2025-01-15. Review status: criteria provided, single submitter. Criteria: Invitae Variant Classification Sherloc (09022015). Collection method: clinical testing. Allele origin: germline.
Comment: This sequence change replaces lysine, which is basic and polar, with asparagine, which is neutral and polar, at codon 589 of the HSD17B4 protein (p.Lys589Asn). This variant also falls at the last nucleotide of exon 20, which is part of the consensus splice site for this exon. This variant is present in population databases (rs142527052, gnomAD 0.01%). This variant has not been reported in the literature in individuals affected with HSD17B4-related conditions. ClinVar contains an entry for this variant (Variation ID: 968171). An algorithm developed to predict the effect of missense changes on protein structure and function (PolyPhen-2) suggests that this variant is likely to be disruptive. Variants that disrupt the consensus splice site are a relatively common cause of aberrant splicing (PMID: 17576681, 9536098). Algorithms developed to predict the effect of sequence changes on RNA splicing suggest that this variant may disrupt the consensus splice site. In summary, the available evidence is currently insufficient to determine the role of this variant in disease. Therefore, it has been classified as a Variant of Uncertain Significance.

Women's Health and Genetics/Laboratory Corporation of America, LabCorp
Classification: Uncertain significance. Last evaluated: 2024-08-08. Review status: criteria provided, single submitter. Criteria: LabCorp Variant Classification Summary - May 2015. Collection method: clinical testing. Allele origin: germline.
Comment: Variant summary: HSD17B4 c.1767G>T (p.Lys589Asn) results in a non-conservative amino acid change located in the MaoC-like dehydratase domain (IPR002539) of the encoded protein sequence at the last nucleotide of exon 20 adjacent to the exon 20/intron 20 5' splice donor site. Four of five in-silico tools predict a damaging effect of the variant on protein function. Several computational tools predict a significant impact on normal splicing: One predict the variant abolishes a 5' splicing donor site. Three predict the variant weakens a 5' donor site. However, these predictions have yet to be confirmed by functional studies. The variant allele was found at a frequency of 2e-05 in 250756 control chromosomes. The available data on variant occurrences in the general population are insufficient to allow any conclusion about variant significance. To our knowledge, no occurrence of c.1767G>T in individuals affected with D-Bifunctional Protein Deficiency and no experimental evidence demonstrating its impact on protein function have been reported. ClinVar contains an entry for this variant (Variation ID: 968171). Based on the evidence outlined above, the variant was classified as uncertain significance.

Blueprint Genetics
Classification: Uncertain significance. Last evaluated: 2021-09-06. Review status: criteria provided, single submitter. Criteria: ACMG Guidelines, 2015. Collection method: clinical testing. Allele origin: germline.

Revvity Omics, Revvity
Classification: Uncertain significance. Last evaluated: 2019-07-23. Review status: criteria provided, single submitter. Criteria: ACMG Guidelines, 2015. Collection method: clinical testing. Allele origin: germline.

Dr. Peter K. Rogan Lab, Western University
No classification provided (evidence only). Condition: Papillary renal cell carcinoma type 1. Review status: no classification provided. Collection method: in vitro. Allele origin: not applicable. Functional consequence: skipped exon. Not counted in ClinVar's aggregate classification.

Literature cited by the submitters: PubMed 17576681 (cited by Labcorp Genetics (formerly Invitae), Labcorp); PubMed 9536098 (cited by Labcorp Genetics (formerly Invitae), Labcorp).